The following is an entry in ClinVar:

ClinVar aggregate classification (germline): Pathogenic. Review status: criteria provided, multiple submitters, no conflicts (2 of 4 stars). 2 submissions from 2 submitters: Pathogenic (2). Last evaluated 2025-09-10.

Conditions:
Miyoshi muscular dystrophy 1 (MMD1). Identifiers: Orphanet 45448, MedGen C4551973, MONDO:0024545, OMIM 254130.
Neuromuscular disease caused by qualitative or quantitative defects of dysferlin. Also called: Qualitative or quantitative defects of dysferlin; Dysferlinopathy. Identifiers: Orphanet 207073, MedGen C2931687, MONDO:0016145.

Allele frequency attached by ClinVar (database versions not stated): gnomAD exomes below 0.00001; gnomAD 0.00001; TOPMed 0.00001.

Submissions (2):

Labcorp Genetics (formerly Invitae), Labcorp
Classification: Pathogenic for Neuromuscular disease caused by qualitative or quantitative defects of dysferlin. Last evaluated: 2025-09-10. Review status: criteria provided, single submitter. Criteria: Invitae Variant Classification Sherloc (09022015). Collection method: clinical testing. Allele origin: germline.
Comment: This sequence change creates a premature translational stop signal (p.Glu276Glyfs*12) in the DYSF gene. It is expected to result in an absent or disrupted protein product. Loss-of-function variants in DYSF are known to be pathogenic (PMID: 17698709, 20301480). This variant is not present in population databases (gnomAD no frequency). This premature translational stop signal has been observed in individual(s) with limb-girdle muscular dystrophy (PMID: 19528035). ClinVar contains an entry for this variant (Variation ID: 1322807). Algorithms developed to predict the effect of sequence changes on RNA splicing suggest that this variant may disrupt the consensus splice site. For these reasons, this variant has been classified as Pathogenic.

Baylor Genetics
Classification: Pathogenic for Miyoshi muscular dystrophy 1. Last evaluated: 2023-07-12. Review status: criteria provided, single submitter. Criteria: ACMG Guidelines, 2015. Collection method: clinical testing. Allele origin: unknown.

Literature cited by the submitters: PubMed 17698709 (cited by Labcorp Genetics (formerly Invitae), Labcorp); PubMed 20301480 (cited by Labcorp Genetics (formerly Invitae), Labcorp); PubMed 19528035 (cited by Labcorp Genetics (formerly Invitae), Labcorp).

NM_001130987.2(DYSF):c.923del (p.Glu308fs)

Gene: DYSF (dysferlin; plus strand). Cytogenetic location: 2p13.2.
Variant type: Deletion.
Coding change: c.923del on transcript NM_001130987.2 (MANE Select); coding-DNA position 923, one base deleted (A; older notation c.923delA).
Protein change: p.Glu308fs; shifts the reading frame from glutamic acid 308.
Molecular consequence: frameshift variant.
Genome position (GRCh38, 1-based): chr2:71,516,214, A deleted. VCF-style (leftmost placement, unchanged base first): chr2-71516213-GA-G. GRCh37 (hg19) VCF-style: chr2-71743343-GA-G.
Other names: c.827del, p.Glu276fs (NM_003494.4, NM_001130976.2, NM_001130977.2 and 1 more transcripts); c.830del, p.Glu277fs (NM_001130455.2, NM_001130983.2, NM_001130984.2 and 1 more transcripts); c.920del, p.Glu307fs (NM_001130979.2, NM_001130980.2, NM_001130981.2); c.923del, p.Glu308fs (NM_001130982.2, NM_001130985.2); short protein forms E276fs, E277fs, E307fs, E308fs.
Identifiers: ClinVar variation 1322807 (VCV001322807.8), dbSNP rs2086635842, ClinGen allele CA1032072408.